The following is an entry in ClinVar:

ClinVar aggregate classification (germline): Uncertain significance. Review status: criteria provided, multiple submitters, no conflicts (2 of 4 stars). 4 submissions from 4 submitters: Uncertain significance (4). Last evaluated 2026-01-07.

Conditions:
LZTR1-related schwannomatosis. Also called: Schwannomatosis 2; Schwannomatosis-2, susceptibility to. Identifiers: Orphanet 93921, MedGen C3810283, MONDO:0014299, OMIM 615670.
Hereditary cancer-predisposing syndrome. Also called: Neoplastic Syndromes, Hereditary; Hereditary neoplastic syndrome; Hereditary Cancer Syndrome; Tumor predisposition. Identifiers: Orphanet 140162, MedGen C0027672, MeSH D009386, MONDO:0015356.
Cardiovascular phenotype. Identifiers: MedGen CN230736.

Allele frequency attached by ClinVar (database versions not stated): TOPMed below 0.00001; gnomAD exomes 0.00001 and 0.00003; ExAC 0.00003.
gnomAD v4.1: 16 of 1,597,832 alleles (0.001%); highest among the groups gnomAD compares: South Asian, 0.0077%; 1 homozygote.

Submissions (4):

Labcorp Genetics (formerly Invitae), Labcorp
Classification: Uncertain significance. Last evaluated: 2026-01-07. Review status: criteria provided, single submitter. Criteria: Invitae Variant Classification Sherloc (09022015). Collection method: clinical testing. Allele origin: germline.
Comment: This sequence change replaces arginine, which is basic and polar, with glutamine, which is neutral and polar, at codon 537 of the LZTR1 protein (p.Arg537Gln). This variant is present in population databases (rs769150226, gnomAD 0.01%). This variant has not been reported in the literature in individuals affected with LZTR1-related conditions. ClinVar contains an entry for this variant (Variation ID: 451516). Invitae Evidence Modeling of protein sequence and biophysical properties (such as structural, functional, and spatial information, amino acid conservation, physicochemical variation, residue mobility, and thermodynamic stability) indicates that this missense variant is not expected to disrupt LZTR1 protein function with a negative predictive value of 80%. In summary, the available evidence is currently insufficient to determine the role of this variant in disease. Therefore, it has been classified as a Variant of Uncertain Significance.

Ambry Genetics
Classification: Uncertain significance for Cardiovascular phenotype; Hereditary cancer-predisposing syndrome. Last evaluated: 2025-11-04. Review status: criteria provided, single submitter. Criteria: Ambry Variant Classification Scheme 2023. Collection method: clinical testing. Allele origin: germline.
Comment: The p.R537Q variant (also known as c.1610G>A), located in coding exon 14 of the LZTR1 gene, results from a G to A substitution at nucleotide position 1610. The arginine at codon 537 is replaced by glutamine, an amino acid with highly similar properties. This amino acid position is highly conserved in available vertebrate species. In addition, the in silico prediction for this alteration is inconclusive. Since supporting evidence is limited at this time, the clinical significance of this alteration remains unclear.

Foundation for Research in Genetics and Endocrinology, FRIGE's Institute of Human Genetics
Classification: Uncertain significance for LZTR1-related schwannomatosis. Last evaluated: 2021-04-17. Review status: criteria provided, single submitter. Criteria: ACMG Guidelines, 2015. Collection method: clinical testing. Allele origin: germline. Inheritance: Autosomal dominant inheritance. Affected: yes. Observed: 1 heterozygote.
Comment: A heterozygous missense variation in exon 14 of the LZTR1 gene that results in the amino acid substitution of Glutamine for Arginine at codon 537 was detected. The observed variant c.1610G>A (p.Arg537Gln) has a minor allele frequency of 0.006%, in the 1000 genomes and gnomAD databases. The in silico prediction of the variant are possibly damaging by PolyPhen-2 (HumDiv) and damaging by LRT. The reference codon is conserved across species. In summary, the variant meets our criteria to be classified as a variant of uncertain significance.

GeneDx
Classification: Uncertain significance. Last evaluated: 2017-08-18. Review status: criteria provided, single submitter. Criteria: GeneDx Variant Classification (06012015). Collection method: clinical testing. Allele origin: germline. Affected: yes.
Comment: The R537Q variant has not been published as a pathogenic variant, nor has it been reported as a benign variant to our knowledge. The R537Q variant is not observed at a significant frequency in large population cohorts (Lek et al., 2016; 1000 Genomes Consortium et al., 2015; Exome Variant Server). The R537Q variant is a semi-conservative amino acid substitution, which may impact secondary protein structure as these residues differ in some properties. This substitution occurs at a position that is conserved across species. In silico analysis predicts this variant is probably damaging to the protein structure/function. Based on the currently available information, it is unclear whether this variant is a pathogenic variant or a rare benign variant

NM_006767.4(LZTR1):c.1610G>A (p.Arg537Gln)

Gene: LZTR1 (leucine zipper like post translational regulator 1; plus strand). Cytogenetic location: 22q11.21.
Variant type: single nucleotide variant.
Coding change: c.1610G>A on transcript NM_006767.4 (MANE Select); coding-DNA position 1610, G replaced by A.
Protein change: p.Arg537Gln; replaces arginine 537 with glutamine.
Molecular consequence: missense variant.
Genome position (GRCh38, 1-based): chr22:20,994,264, G>A. VCF-style: chr22-20994264-G-A. GRCh37 (hg19) VCF-style: chr22-21348553-G-A.
Other names: p.Arg537Gln; short protein forms R537Q.
Identifiers: ClinVar variation 451516 (VCV000451516.11), dbSNP rs769150226, ClinGen allele CA10118954.